The following is an entry in ClinVar:

NM_001378743.1(CYLD):c.1358C>G (p.Pro453Arg)

Gene: CYLD (CYLD lysine 63 deubiquitinase; plus strand). Cytogenetic location: 16q12.1.
Variant type: single nucleotide variant.
Coding change: c.1358C>G on transcript NM_001378743.1 (MANE Select); coding-DNA position 1358, C replaced by G.
Protein change: p.Pro453Arg; replaces proline 453 with arginine.
Molecular consequence: missense variant. On other transcripts: non-coding transcript variant (1).
Genome position (GRCh38, 1-based): chr16:50,779,884, C>G. VCF-style: chr16-50779884-C-G. GRCh37 (hg19) VCF-style: chr16-50813795-C-G.
Other names: c.1349C>G, p.Pro450Arg (NM_001042355.2, NM_001042412.3, NM_001378744.1 and 6 more transcripts); c.1319C>G, p.Pro440Arg (NM_001378751.1, NM_001378752.1, NM_001378753.1); c.683C>G, p.Pro228Arg (NM_001378754.1, NM_001378755.1); c.1358C>G, p.Pro453Arg (NM_015247.3); short protein forms P228R, P440R, P450R, P453R.
Identifiers: ClinVar variation 3620062 (VCV003620062.2).

ClinVar aggregate classification (germline): Uncertain significance (1 of 4 stars; one submission).

gnomAD v4.1: 1 of 1,614,094 alleles (0.000062%); highest among the groups gnomAD compares: Non-Finnish European, 0.000085%; no homozygotes.

Submission:

Labcorp Genetics (formerly Invitae), Labcorp
Classification: Uncertain significance. Last evaluated: 2024-10-27. Review status: criteria provided, single submitter. Criteria: Invitae Variant Classification Sherloc (09022015). Collection method: clinical testing. Allele origin: germline.
Comment: This sequence change replaces proline, which is neutral and non-polar, with arginine, which is basic and polar, at codon 453 of the CYLD protein (p.Pro453Arg). This variant is not present in population databases (gnomAD no frequency). This variant has not been reported in the literature in individuals affected with CYLD-related conditions. Invitae Evidence Modeling of protein sequence and biophysical properties (such as structural, functional, and spatial information, amino acid conservation, physicochemical variation, residue mobility, and thermodynamic stability) indicates that this missense variant is not expected to disrupt CYLD protein function with a negative predictive value of 80%. In summary, the available evidence is currently insufficient to determine the role of this variant in disease. Therefore, it has been classified as a Variant of Uncertain Significance.